The following is an entry in ClinVar:

NM_000091.5(COL4A3):c.2628del (p.Gly877fs)

Genes: COL4A3 (collagen type IV alpha 3 chain; plus strand), MFF-DT (MFF divergent transcript; minus strand). Cytogenetic location: 2q36.3.
Variant type: Deletion.
Coding change: c.2628del on transcript NM_000091.5 (MANE Select); coding-DNA position 2628, one base deleted (A; older notation c.2628delA).
Protein change: p.Gly877fs; shifts the reading frame from glycine 877.
Molecular consequence: frameshift variant.
Genome position (GRCh38, 1-based): chr2:227,282,504, A deleted. VCF-style (leftmost placement, unchanged base first): chr2-227282503-CA-C. GRCh37 (hg19) VCF-style: chr2-228147219-CA-C.
Other names: short protein forms G877fs.
Identifiers: ClinVar variation 2813808 (VCV002813808.3), dbSNP rs2469770662, ClinGen allele CA2577265231.

ClinVar aggregate classification (germline): Pathogenic (1 of 4 stars; one submission).

Submission:

Labcorp Genetics (formerly Invitae), Labcorp
Classification: Pathogenic. Last evaluated: 2022-11-12. Review status: criteria provided, single submitter. Criteria: Invitae Variant Classification Sherloc (09022015). Collection method: clinical testing. Allele origin: germline.
Comment: This sequence change creates a premature translational stop signal (p.Gly877Glufs*6) in the COL4A3 gene. It is expected to result in an absent or disrupted protein product. Loss-of-function variants in COL4A3 are known to be pathogenic (PMID: 8956999, 24854265, 26809805, 27281700). This variant is not present in population databases (gnomAD no frequency). This variant has not been reported in the literature in individuals affected with COL4A3-related conditions. For these reasons, this variant has been classified as Pathogenic.

Literature cited by the submitters: PubMed 8956999; PubMed 24854265; PubMed 26809805; PubMed 27281700.